The following is an entry in ClinVar:

ClinVar aggregate classification (germline): Benign. Review status: criteria provided, multiple submitters, no conflicts (2 of 4 stars). 3 submissions from 3 submitters: Benign (3). Last evaluated 2023-11-12.

Allele frequency attached by ClinVar (database versions not stated): gnomAD exomes 0.26931 and 0.27179; ExAC 0.27586; 1000 Genomes Project 0.28235; 1000 Genomes Project 30x 0.28357; gnomAD 0.28909 and 0.29116; TOPMed 0.28984; ESP Exome Variant Server 0.29656.
gnomAD v4.1: 414,273 of 1,526,860 alleles (27%); highest among the groups gnomAD compares: African/African-American, 33%; 57,205 homozygotes.

Submissions (3):

Unidad de Genómica Garrahan, Hospital de Pediatría Garrahan
Classification: Benign. Last evaluated: 2023-11-12. Review status: criteria provided, single submitter. Criteria: ACMG Guidelines, 2015. Collection method: clinical testing. Allele origin: germline. Affected: no. Observed: 45 variant alleles.
Comment: This variant is classified as Benign based on local population frequency. This variant was detected in 47% of patients studied by a panel of primary immunodeficiencies. Number of patients: 45. Only high quality variants are reported.

GeneDx
Classification: Benign. Last evaluated: 2021-05-14. Review status: criteria provided, single submitter. Criteria: GeneDx Variant Classification Process June 2021. Collection method: clinical testing. Allele origin: germline. Affected: yes.

Breakthrough Genomics
Classification: Benign. Review status: criteria provided, single submitter. Criteria: ACMG Guidelines, 2015. Collection method: not provided. Allele origin: germline. Inheritance: Autosomal recessive inheritance. Affected: yes.

NM_006254.4(PRKCD):c.1261-51G>A

Gene: PRKCD (protein kinase C delta; plus strand). Cytogenetic location: 3p21.1.
Variant type: single nucleotide variant.
Coding change: c.1261-51G>A on transcript NM_006254.4 (MANE Select); 51 bases into the intron before coding-DNA position 1261, G replaced by A.
Molecular consequence: intron variant.
Genome position (GRCh38, 1-based): chr3:53,186,553, G>A. VCF-style: chr3-53186553-G-A. GRCh37 (hg19) VCF-style: chr3-53220569-G-A.
Other names: c.1261-51G>A (NM_001354680.2, NM_001354679.2, NM_212539.2 and 1 more transcripts); c.1318-51G>A (NM_001354676.2); c.1309-51G>A (NM_001354678.2).
Identifiers: ClinVar variation 1222119 (VCV001222119.6), dbSNP rs45596236, ClinGen allele CA2452130.
Genomic context (GRCh38, chr3:53,186,553, plus strand): 5'-TCAGCCAGGGCCTGTCCCTGCTGTTTCCTGTTGGGGCTTGGCCCCAGTGGCCCTCAGTGA[G>A]GGAGCCTCCTGCCTATTCCTCACCCCTGCTCACCACCCTTCCCACCCCAGGACCACCTGT-3'